The following is an entry in ClinVar:

ClinVar aggregate classification (germline): Likely pathogenic (1 of 4 stars; one submission).

Conditions:
Bardet-Biedl syndrome (BBS). Identifiers: Orphanet 110, MedGen C0752166, MONDO:0015229.

Submission:

Labcorp Genetics (formerly Invitae), Labcorp
Classification: Likely pathogenic for Bardet-Biedl syndrome. Last evaluated: 2024-01-17. Review status: criteria provided, single submitter. Criteria: Invitae Variant Classification Sherloc (09022015). Collection method: clinical testing. Allele origin: unknown.
Comment: This variant results in a copy number gain of the genomic region encompassing exon(s) 9 of the BBS4 gene. While the exact position of this variant cannot be determined from the data, sub-genic copy number gains are generally in tandem (PMID: 25640679). This variant is predicted to be out-of-frame, and may result in an absent or disrupted protein product. Loss-of-function variants in BBS4 are known to be pathogenic (PMID: 11381270, 12016587, 20177705, 27894351). This variant has not been reported in the literature in individuals affected with BBS4-related conditions. In summary, the currently available evidence indicates that the variant is pathogenic, but additional data are needed to prove that conclusively. Therefore, this variant has been classified as Likely Pathogenic.

Literature cited by the submitters: PubMed 25640679; PubMed 11381270; PubMed 12016587; PubMed 20177705; PubMed 27894351.

NC_000015.9:g.(?_73020261)_(73020355_?)dup

Gene: BBS4 (Bardet-Biedl syndrome 4; plus strand). Cytogenetic location: 15q24.1.
Variant type: Duplication.
Identifiers: ClinVar variation 3243773 (VCV003243773.1).